The following is an entry in ClinVar:

NM_005215.4(DCC):c.1140+1G>A

Gene: DCC (DCC netrin 1 receptor; plus strand). Cytogenetic location: 18q21.2.
Variant type: single nucleotide variant.
Coding change: c.1140+1G>A on transcript NM_005215.4 (MANE Select); the canonical splice donor site of the intron after coding-DNA position 1140, G replaced by A.
Molecular consequence: splice donor variant.
Genome position (GRCh38, 1-based): chr18:53,063,460, G>A. VCF-style: chr18-53063460-G-A. GRCh37 (hg19) VCF-style: chr18-50589830-G-A.
Other names: IVS6DS, G-A, +1.
Identifiers: ClinVar variation 187797 (VCV000187797.4), dbSNP rs797044553, ClinGen allele CA347161.

ClinVar aggregate classification (germline): Pathogenic. Review status: criteria provided, single submitter (1 of 4 stars). 3 submissions from 3 submitters: Pathogenic (1). 2 of the submissions do not count toward it. Last evaluated 2023-05-05.

Conditions:
Mirror movements 1 (MRMV1). Identifiers: Orphanet 238722, MedGen C1834870, OMIM 157600, MONDO:0008002.

Submissions (3):

GeneDx
Classification: Pathogenic. Last evaluated: 2023-05-05. Review status: criteria provided, single submitter. Criteria: GeneDx Variant Classification Process June 2021. Collection method: clinical testing. Allele origin: germline. Affected: yes.
Comment: Reported to segregate in a French Canadian family with isolated congenital mirror movements (Srour et al., 2010); Not observed at significant frequency in large population cohorts (gnomAD); Canonical splice site variant predicted to result in a null allele in a gene for which loss of function is a known mechanism of disease; Published functional studies demonstrate a damaging effect as this variant results in exon skipping (Srour et al., 2010); This variant is associated with the following publications: (PMID: 25525159, 20431009)

OMIM
Classification: Pathogenic for MIRROR MOVEMENTS 1 AND/OR AGENESIS OF THE CORPUS CALLOSUM. Last evaluated: 2010-04-30. Review status: no assertion criteria provided. Collection method: literature only. Allele origin: germline. Not counted in ClinVar's aggregate classification.

GeneReviews
No classification provided. Condition: Mirror movements 1. Review status: no classification provided. Collection method: literature only. Allele origin: germline. Affected: yes. Not counted in ClinVar's aggregate classification.

Literature cited by the submitters: PubMed 20431009 (cited by OMIM and GeneReviews); NCBI Bookshelf NBK279760 (cited by GeneReviews).